The following is an entry in ClinVar:

ClinVar aggregate classification (germline): Uncertain significance (1 of 4 stars; one submission).

Submission:

GeneDx
Classification: Uncertain significance. Last evaluated: 2026-02-18. Review status: criteria provided, single submitter. Criteria: GeneDx Variant Classification Process June 2021. Collection method: clinical testing. Allele origin: germline.
Comment: Not observed at significant frequency in large population cohorts (gnomAD); In silico analysis suggests that this missense variant does not alter protein structure/function; Has not been previously published as pathogenic or benign to our knowledge

NM_018008.4(FEZF2):c.1306G>T (p.Val436Leu)

Gene: FEZF2 (FEZ family zinc finger 2; minus strand). Cytogenetic location: 3p14.2.
Variant type: single nucleotide variant.
Coding change: c.1306G>T on transcript NM_018008.4 (MANE Select); coding-DNA position 1306, G replaced by T.
Protein change: p.Val436Leu; replaces valine 436 with leucine.
Molecular consequence: missense variant.
Genome position (GRCh38, 1-based): chr3:62,370,157, C>A on the plus strand (G>T on the coding strand, the complement: FEZF2 is on the minus strand). VCF-style: chr3-62370157-C-A. GRCh37 (hg19) VCF-style: chr3-62355832-C-A.
Other names: short protein forms V436L.
Identifiers: ClinVar variation 5009415 (VCV005009415.1).